The following is an entry in ClinVar:

ClinVar aggregate classification (germline): Pathogenic (1 of 4 stars; one submission).

Conditions:
Early-infantile DEE. Also called: Early infantile epileptic encephalopathy; Ohtahara syndrome; Early infantile epileptic encephalopathy with suppression bursts. Identifiers: Orphanet 1934, MedGen C0393706, MONDO:0800491.

Submission:

Labcorp Genetics (formerly Invitae), Labcorp
Classification: Pathogenic for Early-infantile DEE. Last evaluated: 2021-05-21. Review status: criteria provided, single submitter. Criteria: Invitae Variant Classification Sherloc (09022015). Collection method: clinical testing. Allele origin: germline.
Comment: For these reasons, this variant has been classified as Pathogenic. This variant disrupts the C-terminus of the SCN1A protein. Other variant(s) that disrupt this region (p.Ala1919Leufs*13) have been determined to be pathogenic (Invitae). This suggests that variants that disrupt this region of the protein are likely to be causative of disease. This variant has not been reported in the literature in individuals with SCN1A-related conditions. This variant is not present in population databases (ExAC no frequency). This sequence change creates a premature translational stop signal (p.Ser1879Metfs*32) in the SCN1A gene. While this is not anticipated to result in nonsense mediated decay, it is expected to disrupt the last 131 amino acid(s) of the SCN1A protein.

NM_001165963.4(SCN1A):c.5636del (p.Ser1879fs)

Genes: SCN1A (sodium voltage-gated channel alpha subunit 1; minus strand), LOC102724058 (uncharacterized LOC102724058; plus strand). Cytogenetic location: 2q24.3.
Variant type: Deletion.
Coding change: c.5636del on transcript NM_001165963.4 (MANE Select); coding-DNA position 5636, one base deleted (G; older notation c.5636delG).
Protein change: p.Ser1879fs; shifts the reading frame from serine 1879.
Molecular consequence: frameshift variant. On other transcripts: non-coding transcript variant (1).
Genome position (GRCh38, 1-based): chr2:165,991,639, C deleted on the plus strand (G on the coding strand, the reverse complement: SCN1A is on the minus strand). VCF-style (leftmost placement, unchanged base first): chr2-165991638-AC-A. GRCh37 (hg19) VCF-style: chr2-166848148-AC-A.
Other names: c.5552del, p.Ser1851fs (NM_001165964.3, NM_001353957.2, NM_001353958.2); c.5636del, p.Ser1879fs (NM_001202435.3, NM_001353948.2); c.5603del, p.Ser1868fs (NM_001353949.2, NM_001353950.2, NM_001353951.2 and 2 more transcripts); c.5600del, p.Ser1867fs (NM_001353954.2, NM_001353955.2); c.5549del, p.Ser1850fs (NM_001353960.2); c.3194del, p.Ser1065fs (NM_001353961.2); short protein forms S1867fs, S1850fs, S1868fs, S1065fs, S1851fs, S1879fs.
Identifiers: ClinVar variation 1415990 (VCV001415990.9), dbSNP rs2105425094, ClinGen allele CA2573133685.
Genomic context (GRCh38, chr2:165,991,638, plus strand): 5'-GGAAGGATTGGAAGCCATGAATCGCTCTTCCATCTGTATTCGTAGAGCATCCATCTCTCC[AC>A]TCTCTCCTAGAACCCGCTTTGTAAAAGCAAATAAGATATCAAGACAGTGGATCCGGTCAC-3'